The following is an entry in ClinVar:

ClinVar aggregate classification (germline): Uncertain significance. Review status: criteria provided, multiple submitters, no conflicts (2 of 4 stars). 2 submissions from 2 submitters: Uncertain significance (2). Last evaluated 2024-11-10.

Conditions:
Immunodeficiency 67. Also called: Immunodeficiency due to interleukin-1 receptor-associated kinase-4 deficiency. Identifiers: Orphanet 70592, MedGen C1843256, MONDO:0011888, OMIM 607676.
Inborn genetic diseases. Identifiers: MedGen C0950123, MeSH D030342.

Allele frequency attached by ClinVar (database versions not stated): gnomAD 0.00005; TOPMed 0.00006; ESP Exome Variant Server 0.00015.
gnomAD v4.1: 15 of 1,613,860 alleles (0.00093%); highest among the groups gnomAD compares: African/African-American, 0.019%; no homozygotes.

Submissions (2):

Ambry Genetics
Classification: Uncertain significance for Inborn genetic diseases. Last evaluated: 2024-11-10. Review status: criteria provided, single submitter. Criteria: Ambry Variant Classification Scheme 2023. Collection method: clinical testing. Allele origin: germline.

Labcorp Genetics (formerly Invitae), Labcorp
Classification: Uncertain significance for Immunodeficiency 67. Last evaluated: 2022-02-25. Review status: criteria provided, single submitter. Criteria: Invitae Variant Classification Sherloc (09022015). Collection method: clinical testing. Allele origin: germline.
Comment: This variant has not been reported in the literature in individuals affected with IRAK4-related conditions. This sequence change replaces methionine, which is neutral and non-polar, with leucine, which is neutral and non-polar, at codon 355 of the IRAK4 protein (p.Met355Leu). This variant is present in population databases (rs142376871, gnomAD 0.02%). ClinVar contains an entry for this variant (Variation ID: 649132). Algorithms developed to predict the effect of missense changes on protein structure and function are either unavailable or do not agree on the potential impact of this missense change (SIFT: "Tolerated"; PolyPhen-2: "Probably Damaging"; Align-GVGD: "Class C0"). In summary, the available evidence is currently insufficient to determine the role of this variant in disease. Therefore, it has been classified as a Variant of Uncertain Significance.

NM_016123.4(IRAK4):c.1063A>C (p.Met355Leu)

Gene: IRAK4 (interleukin 1 receptor associated kinase 4; plus strand). Cytogenetic location: 12q12.
Variant type: single nucleotide variant.
Coding change: c.1063A>C on transcript NM_016123.4 (MANE Select); coding-DNA position 1063, A replaced by C.
Protein change: p.Met355Leu; replaces methionine 355 with leucine.
Molecular consequence: missense variant.
Genome position (GRCh38, 1-based): chr12:43,782,428, A>C. VCF-style: chr12-43782428-A-C. GRCh37 (hg19) VCF-style: chr12-44176231-A-C.
Other names: c.1063A>C, p.Met355Leu (NM_001114182.3, NM_001351345.2); c.691A>C, p.Met231Leu (NM_001145256.2, NM_001145257.2, NM_001145258.2 and 5 more transcripts); c.454A>C, p.Met152Leu (NM_001351343.2, NM_001351344.2); short protein forms M152L, M355L, M231L.
Identifiers: ClinVar variation 649132 (VCV000649132.11), dbSNP rs142376871, ClinGen allele CA6522565.